The following is an entry in ClinVar:

ClinVar aggregate classification (germline): Uncertain significance. Review status: criteria provided, multiple submitters, no conflicts (2 of 4 stars). 2 submissions from 2 submitters: Uncertain significance (2). Last evaluated 2024-12-16.

Conditions:
Charcot-Marie-Tooth disease type 2. Also called: Charcot-Marie-Tooth type 2. Identifiers: Orphanet 64746, MedGen C0270914, MONDO:0018993.

Allele frequency attached by ClinVar (database versions not stated): gnomAD exomes below 0.00001.

Submissions (2):

Ambry Genetics
Classification: Uncertain significance. Last evaluated: 2024-12-16. Review status: criteria provided, single submitter. Criteria: Ambry Variant Classification Scheme 2023. Collection method: clinical testing. Allele origin: germline.
Comment: The p.K163R variant (also known as c.488A>G), located in coding exon 5 of the KIF1B gene, results from an A to G substitution at nucleotide position 488. The lysine at codon 163 is replaced by arginine, an amino acid with highly similar properties. This amino acid position is conserved. In addition, this alteration is predicted to be tolerated by in silico analysis. Based on the available evidence, the clinical significance of this variant remains unclear.

Labcorp Genetics (formerly Invitae), Labcorp
Classification: Uncertain significance for Charcot-Marie-Tooth disease type 2. Last evaluated: 2023-08-05. Review status: criteria provided, single submitter. Criteria: Invitae Variant Classification Sherloc (09022015). Collection method: clinical testing. Allele origin: germline.
Comment: This sequence change replaces lysine, which is basic and polar, with arginine, which is basic and polar, at codon 163 of the KIF1B protein (p.Lys163Arg). This variant is not present in population databases (gnomAD no frequency). This variant has not been reported in the literature in individuals affected with KIF1B-related conditions. Advanced modeling of protein sequence and biophysical properties (such as structural, functional, and spatial information, amino acid conservation, physicochemical variation, residue mobility, and thermodynamic stability) performed at Invitae indicates that this missense variant is not expected to disrupt KIF1B protein function. In summary, the available evidence is currently insufficient to determine the role of this variant in disease. Therefore, it has been classified as a Variant of Uncertain Significance.

NM_001365951.3(KIF1B):c.488A>G (p.Lys163Arg)

Gene: KIF1B (kinesin family member 1B; plus strand). Cytogenetic location: 1p36.22.
Variant type: single nucleotide variant.
Coding change: c.488A>G on transcript NM_001365951.3 (MANE Select); coding-DNA position 488, A replaced by G.
Protein change: p.Lys163Arg; replaces lysine 163 with arginine.
Molecular consequence: missense variant.
Genome position (GRCh38, 1-based): chr1:10,267,438, A>G. VCF-style: chr1-10267438-A-G. GRCh37 (hg19) VCF-style: chr1-10327496-A-G.
Other names: c.488A>G, p.Lys163Arg (NM_001365952.1, NM_001365953.1, NM_015074.3 and 1 more transcripts); short protein forms K163R.
Identifiers: ClinVar variation 2955835 (VCV002955835.4), dbSNP rs2521041841, ClinGen allele CA338329213.